The following is an entry in ClinVar:

NM_020779.4(WDR35):c.1546C>T (p.Gln516Ter)

Gene: WDR35 (WD repeat domain 35; minus strand). Cytogenetic location: 2p24.1.
Variant type: single nucleotide variant.
Coding change: c.1546C>T on transcript NM_020779.4 (MANE Select); coding-DNA position 1546, C replaced by T.
Protein change: p.Gln516Ter; replaces glutamine 516 with a stop codon.
Molecular consequence: nonsense.
Genome position (GRCh38, 1-based): chr2:19,946,549, G>A on the plus strand (C>T on the coding strand, the complement: WDR35 is on the minus strand). VCF-style: chr2-19946549-G-A. GRCh37 (hg19) VCF-style: chr2-20146310-G-A.
Other names: c.1579C>T, p.Gln527Ter (NM_001006657.2); short protein forms Q527*, Q516*.
Identifiers: ClinVar variation 617914 (VCV000617914.2), dbSNP rs1050086118, ClinGen allele CA345945102.
Genomic context (GRCh38, chr2:19,946,549, plus strand): 5'-AGGCTCGACAATTAAGGGAATATTTTTGAATCAAACCAACATTAGGTAGACTGTATCTCT[G>A]AATGGTGCCAGATTCACGACCCTATGGAAATTACTTTTGATTACTTAAGCATACGTGTAT-3'

ClinVar aggregate classification (germline): Pathogenic. Review status: criteria provided, single submitter (1 of 4 stars). 2 submissions from 2 submitters: Pathogenic (1). 1 of the submissions does not count toward it. Last evaluated 2018-10-15.

Conditions:
Short-rib thoracic dysplasia 7 with or without polydactyly (SRTD7). Also called: Short rib polydactyly syndrome 5; SHORT-RIB THORACIC DYSPLASIA 7 WITH POLYDACTYLY. Identifiers: Orphanet 498497, Orphanet 93271, MedGen C3279792, MONDO:0013569, OMIM 614091.
Short rib-polydactyly syndrome. Identifiers: Orphanet 1505, MedGen C0036996, MONDO:0015461.

Allele frequency attached by ClinVar (database versions not stated): gnomAD exomes below 0.00001.
gnomAD v4.1: 2 of 1,613,542 alleles (0.00012%); highest among the groups gnomAD compares: Non-Finnish European, 0.000085%; no homozygotes.

Submissions (2):

SIB Swiss Institute of Bioinformatics
Classification: Pathogenic for Short-rib thoracic dysplasia 7 with or without polydactyly. Last evaluated: 2018-10-15. Review status: criteria provided, single submitter. Criteria: ACMG Guidelines, 2015. Collection method: curation. Allele origin: unknown.
Comment: This variant is interpreted as Pathogenic, for Short-rib thoracic dysplasia 7 with or without polydactyly, autosomal recessive. The following ACMG Tag(s) were applied: PM2 => Absent from controls (or at extremely low frequency if recessive) in Exome Sequencing Project, 1000 Genomes Project, or Exome Aggregation Consortium. PVS1-Strong => PVS1 downgraded in strength to Strong. PS3 => Well-established functional studies show a deleterious effect (PubMed 28400947).

University of Washington Center for Mendelian Genomics, University of Washington
Classification: Likely pathogenic for Short Rib Polydactyly Syndrome. Last evaluated: 2017-03-30. Review status: no assertion criteria provided. Collection method: research. Allele origin: unknown. Affected: yes. Observed: 1 compound heterozygote. Not counted in ClinVar's aggregate classification.

Literature cited by the submitters: PubMed 28400947 (cited by SIB Swiss Institute of Bioinformatics and University of Washington Center for Mendelian Genomics, University of Washington).